The following is an entry in ClinVar:

NM_000384.3(APOB):c.11312A>G (p.Tyr3771Cys)

Gene: APOB (apolipoprotein B; minus strand). Cytogenetic location: 2p24.1.
Variant type: single nucleotide variant.
Coding change: c.11312A>G on transcript NM_000384.3 (MANE Select); coding-DNA position 11312, A replaced by G.
Protein change: p.Tyr3771Cys; replaces tyrosine 3771 with cysteine.
Molecular consequence: missense variant.
Genome position (GRCh38, 1-based): chr2:21,005,556, T>C on the plus strand (A>G on the coding strand, the complement: APOB is on the minus strand). VCF-style: chr2-21005556-T-C. GRCh37 (hg19) VCF-style: chr2-21228428-T-C.
Other names: c.11312A>G (NM_000384.2); short protein forms Y3771C.
Identifiers: ClinVar variation 2947953 (VCV002947953.4), dbSNP rs773390117, ClinGen allele CA046301.

ClinVar aggregate classification (germline): Conflicting classifications of pathogenicity. Review status: criteria provided, conflicting classifications (1 of 4 stars). 2 submissions from 2 submitters: Uncertain significance (1); Likely benign (1). Last evaluated 2026-07-02.

Conditions:
Familial hypobetalipoproteinemia 1. Also called: APOB-Related Familial Hypobetalipoproteinemia; Hypobetalipoproteinemia, normotriglyceridemic; Acanthocytosis with hypobetalipoproteinemia. Identifiers: MedGen C4551990, MONDO:0014252, OMIM 615558.
Hypercholesterolemia, autosomal dominant, type B (FHCL2). Also called: Familial hypercholesterolemia 2; Hyperlipoproteinemia Type IIb; Familial Hypercholesterolemia Type B; APOB-Related Familial Hypercholesterolemia, Autosomal Dominant; APOLIPOPROTEIN B-100, FAMILIAL DEFECTIVE; APOLIPOPROTEIN B-100, FAMILIAL LIGAND-DEFECTIVE. Identifiers: MedGen C1704417, MONDO:0007751, OMIM 144010.
Cardiovascular phenotype. Identifiers: MedGen CN230736.

Allele frequency attached by ClinVar (database versions not stated): gnomAD exomes 0.00001; TOPMed 0.00001; ExAC 0.00002.
gnomAD v4.1: 18 of 1,614,094 alleles (0.0011%); highest among the groups gnomAD compares: Admixed American, 0.0017%; no homozygotes.

Submissions (2):

Ambry Genetics
Classification: Uncertain significance for Cardiovascular phenotype. Last evaluated: 2026-07-02. Review status: criteria provided, single submitter. Criteria: Ambry Variant Classification Scheme 2023. Collection method: clinical testing. Allele origin: germline.
Comment: The p.Y3771C variant (also known as c.11312A>G), located in coding exon 26 of the APOB gene, results from an A to G substitution at nucleotide position 11312. The tyrosine at codon 3771 is replaced by cysteine, an amino acid with highly dissimilar properties. This amino acid position is conserved. In addition, this alteration is predicted to be tolerated by in silico analysis. Based on the available evidence, the clinical significance of this variant remains unclear.

Labcorp Genetics (formerly Invitae), Labcorp
Classification: Likely benign for Familial hypobetalipoproteinemia 1; Hypercholesterolemia, autosomal dominant, type B. Last evaluated: 2026-01-27. Review status: criteria provided, single submitter. Criteria: Invitae Variant Classification Sherloc (09022015). Collection method: clinical testing. Allele origin: germline.